The following is an entry in ClinVar:

NM_001374828.1(ARID1B):c.5028del (p.Ser1678fs)

Gene: ARID1B (AT-rich interaction domain 1B; plus strand). Cytogenetic location: 6q25.3.
Variant type: Deletion.
Coding change: c.5028del on transcript NM_001374828.1 (MANE Select); coding-DNA position 5028, one base deleted (G; older notation c.5028delG).
Protein change: p.Ser1678fs; shifts the reading frame from serine 1678.
Molecular consequence: frameshift variant.
Genome position (GRCh38, 1-based): chr6:157,201,253, G deleted. VCF-style (leftmost placement, unchanged base first): chr6-157201252-CG-C. GRCh37 (hg19) VCF-style: chr6-157522386-CG-C.
Other names: c.4779delG, p.Ser1595Alafs (NM_001346813.1); c.2529del, p.Ser845fs (NM_001363725.2); c.4908del, p.Ser1638fs (NM_001371656.1, NM_001374820.1); c.4869del, p.Ser1625fs (NM_017519.3); c.4659delG, p.Ser1555Alafs (NM_020732.3); c.4446delG, p.Ser1484Alafs (NM_175863.2); short protein forms S1625fs, S1638fs, S845fs, S1678fs.
Identifiers: ClinVar variation 2230403 (VCV002230403.2), dbSNP rs2538685511, ClinGen allele CA2580075317.

ClinVar aggregate classification (germline): Pathogenic (1 of 4 stars; one submission).

Conditions:
Inborn genetic diseases. Identifiers: MedGen C0950123, MeSH D030342.

Submission:

Ambry Genetics
Classification: Pathogenic for Inborn genetic diseases. Last evaluated: 2021-04-29. Review status: criteria provided, single submitter. Criteria: Ambry Variant Classification Scheme 2023. Collection method: clinical testing. Allele origin: germline.
Comment: The c.4659delG (p.S1555Afs*24) alteration, located in exon 18 (coding exon 18) of the ARID1B gene, consists of a deletion of one nucleotide at position 4659, causing a translational frameshift with a predicted alternate stop codon after 24 amino acids. This alteration is expected to result in loss of function by premature protein truncation or nonsense-mediated mRNA decay. Based on the available evidence, this alteration is classified as pathogenic.